The following is an entry in ClinVar:

ClinVar aggregate classification (germline): Uncertain significance. Review status: criteria provided, multiple submitters, no conflicts (2 of 4 stars). 2 submissions from 2 submitters: Uncertain significance (2). Last evaluated 2022-10-05.

Conditions:
Inborn genetic diseases. Identifiers: MedGen C0950123, MeSH D030342.

gnomAD v4.1: 22 of 1,614,232 alleles (0.0014%); highest among the groups gnomAD compares: Admixed American, 0.013%; no homozygotes.

Submissions (2):

Labcorp Genetics (formerly Invitae), Labcorp
Classification: Uncertain significance. Last evaluated: 2022-10-05. Review status: criteria provided, single submitter. Criteria: Invitae Variant Classification Sherloc (09022015). Collection method: clinical testing. Allele origin: germline.
Comment: This sequence change replaces methionine, which is neutral and non-polar, with lysine, which is basic and polar, at codon 323 of the TBXAS1 protein (p.Met323Lys). This variant is present in population databases (no rsID available, gnomAD 0.01%). This variant has not been reported in the literature in individuals affected with TBXAS1-related conditions. ClinVar contains an entry for this variant (Variation ID: 1355623). Algorithms developed to predict the effect of missense changes on protein structure and function (SIFT, PolyPhen-2, Align-GVGD) all suggest that this variant is likely to be tolerated. In summary, the available evidence is currently insufficient to determine the role of this variant in disease. Therefore, it has been classified as a Variant of Uncertain Significance.

Ambry Genetics
Classification: Uncertain significance for Inborn genetic diseases. Last evaluated: 2021-10-29. Review status: criteria provided, single submitter. Criteria: Ambry Variant Classification Scheme 2023. Collection method: clinical testing. Allele origin: germline.

NM_001061.7(TBXAS1):c.965T>A (p.Met322Lys)

Gene: TBXAS1 (thromboxane A synthase 1; plus strand). Cytogenetic location: 7q34.
Variant type: single nucleotide variant.
Coding change: c.965T>A on transcript NM_001061.7 (MANE Select); coding-DNA position 965, T replaced by A.
Protein change: p.Met322Lys; replaces methionine 322 with lysine.
Molecular consequence: missense variant.
Genome position (GRCh38, 1-based): chr7:139,962,064, T>A. VCF-style: chr7-139962064-T-A. GRCh37 (hg19) VCF-style: chr7-139661863-T-A.
Other names: c.965T>A, p.Met322Lys (NM_001130966.5, NM_030984.6); c.1103T>A, p.Met368Lys (NM_001166253.4); c.764T>A, p.Met255Lys (NM_001166254.4); c.908T>A, p.Met303Lys (NM_001314028.4); c.782T>A, p.Met261Lys (NM_001366537.3); c.968T>A (NM_001061.4); short protein forms M255K, M322K, M368K, M261K, M303K.
Identifiers: ClinVar variation 1355623 (VCV001355623.6), dbSNP rs774212687, ClinGen allele CA167953447.